The following is an entry in ClinVar:

ClinVar aggregate classification (germline): Uncertain significance (1 of 4 stars; one submission).

Conditions:
Galactosylceramide beta-galactosidase deficiency. Also called: Leukodystrophy, Globoid Cell; GALACTOCEREBROSIDASE DEFICIENCY; GALC DEFICIENCY; GLOBOID CELL LEUKOENCEPHALOPATHY; Krabbe Disease. Identifiers: Orphanet 487, MedGen C0023521, MONDO:0009499, OMIM 245200.

Submission:

Labcorp Genetics (formerly Invitae), Labcorp
Classification: Uncertain significance for Galactosylceramide beta-galactosidase deficiency. Last evaluated: 2022-12-06. Review status: criteria provided, single submitter. Criteria: Invitae Variant Classification Sherloc (09022015). Collection method: clinical testing. Allele origin: germline.
Comment: This variant is not present in population databases (gnomAD no frequency). In summary, the available evidence is currently insufficient to determine the role of this variant in disease. Therefore, it has been classified as a Variant of Uncertain Significance. Advanced modeling of protein sequence and biophysical properties (such as structural, functional, and spatial information, amino acid conservation, physicochemical variation, residue mobility, and thermodynamic stability) performed at Invitae indicates that this missense variant is expected to disrupt GALC protein function. This variant has not been reported in the literature in individuals affected with GALC-related conditions. This sequence change replaces serine, which is neutral and polar, with proline, which is neutral and non-polar, at codon 94 of the GALC protein (p.Ser94Pro).

NM_000153.4(GALC):c.280T>C (p.Ser94Pro)

Gene: GALC (galactosylceramidase; minus strand). Cytogenetic location: 14q31.3.
Variant type: single nucleotide variant.
Coding change: c.280T>C on transcript NM_000153.4 (MANE Select); coding-DNA position 280, T replaced by C.
Protein change: p.Ser94Pro; replaces serine 94 with proline.
Molecular consequence: missense variant.
Genome position (GRCh38, 1-based): chr14:87,988,192, A>G on the plus strand (T>C on the coding strand, the complement: GALC is on the minus strand). VCF-style: chr14-87988192-A-G. GRCh37 (hg19) VCF-style: chr14-88454536-A-G.
Other names: c.211T>C, p.Ser71Pro (NM_001201401.2); c.202T>C, p.Ser68Pro (NM_001201402.2); short protein forms S94P, S68P, S71P.
Identifiers: ClinVar variation 1924984 (VCV001924984.5), dbSNP rs2503526689, ClinGen allele CA390753267.
Genomic context (GRCh38, chr14:87,988,192, plus strand): 5'-AAATTCTCCTACCTGTTGTCTGCCCATCACCACCTATTTCCACTTTTAAAATATGCAAAG[A>G]GGCACCAAAATTCGGCTGTGAAAAGAAGTAACAGTATTAACATAGTGTTGTATTGTATGA-3'
Protein context (NP_000144.2, residues 84-104): DYLFKPNFGA[Ser94Pro]LHILKVEIGG